The following is an entry in ClinVar:

NM_000719.7(CACNA1C):c.3156+5A>G

Gene: CACNA1C (calcium voltage-gated channel subunit alpha1 C; plus strand). Cytogenetic location: 12p13.33.
Variant type: single nucleotide variant.
Coding change: c.3156+5A>G on transcript NM_000719.7 (MANE Select); 5 bases into the intron after coding-DNA position 3156, A replaced by G.
Molecular consequence: intron variant.
Genome position (GRCh38, 1-based): chr12:2,605,791, A>G. VCF-style: chr12-2605791-A-G. GRCh37 (hg19) VCF-style: chr12-2714957-A-G.
Other names: c.3156+5A>G (NM_001167624.3, NM_001167623.2, NM_001167625.2 and 15 more transcripts); c.3216+5A>G (NM_199460.4, NM_001129827.2, NM_001129832.2); c.3147+5A>G (NM_001129844.2).
Identifiers: ClinVar variation 2418073 (VCV002418073.7), dbSNP rs2075026161, ClinGen allele CA2012314425.

ClinVar aggregate classification (germline): Uncertain significance (1 of 4 stars; one submission).

Conditions:
Long QT syndrome (LQTS). Identifiers: MedGen C0023976, MeSH D008133, MONDO:0002442. Disease mechanism: loss of function. Inheritance: Various modes of inheritance.

Submission:

Labcorp Genetics (formerly Invitae), Labcorp
Classification: Uncertain significance for Long QT syndrome. Last evaluated: 2022-06-09. Review status: criteria provided, single submitter. Criteria: Invitae Variant Classification Sherloc (09022015). Collection method: clinical testing. Allele origin: germline.
Comment: In summary, the available evidence is currently insufficient to determine the role of this variant in disease. Therefore, it has been classified as a Variant of Uncertain Significance. Variants that disrupt the consensus splice site are a relatively common cause of aberrant splicing (PMID: 17576681, 9536098). Algorithms developed to predict the effect of sequence changes on RNA splicing suggest that this variant is not likely to affect RNA splicing. This variant has not been reported in the literature in individuals affected with CACNA1C-related conditions. This variant is not present in population databases (gnomAD no frequency). This sequence change falls in intron 24 of the CACNA1C gene. It does not directly change the encoded amino acid sequence of the CACNA1C protein. It affects a nucleotide within the consensus splice site.

Literature cited by the submitters: PubMed 17576681; PubMed 9536098.